The following is an entry in ClinVar:

ClinVar aggregate classification (germline): Likely pathogenic (1 of 4 stars; one submission).

Conditions:
Autosomal dominant childhood-onset proximal spinal muscular atrophy with contractures (SMALED2A). Also called: SPINAL MUSCULAR ATROPHY, LOWER EXTREMITY-PREDOMINANT, 2A, CHILDHOOD ONSET, AUTOSOMAL DOMINANT; Spinal muscular atrophy, lower extremity-predominant, 2A, autosomal dominant. Identifiers: Orphanet 363447, Orphanet 363454, MedGen C4747715, MONDO:0014121, OMIM 615290.

Submission:

Labcorp Genetics (formerly Invitae), Labcorp
Classification: Likely pathogenic for Autosomal dominant childhood-onset proximal spinal muscular atrophy with contractures. Last evaluated: 2019-01-29. Review status: criteria provided, single submitter. Criteria: Invitae Variant Classification Sherloc (09022015). Collection method: clinical testing. Allele origin: germline.
Comment: In summary, the currently available evidence indicates that the variant is pathogenic, but additional data are needed to prove that conclusively. Therefore, this variant has been classified as Likely Pathogenic. Algorithms developed to predict the effect of sequence changes on RNA splicing suggest that this variant may disrupt the consensus splice site, but this prediction has not been confirmed by published transcriptional studies. Algorithms developed to predict the effect of missense changes on protein structure and function are either unavailable or do not agree on the potential impact of this missense change (SIFT: "Tolerated"; PolyPhen-2: "Probably Damaging"; Align-GVGD: "Class C0"). This variant is not present in population databases (ExAC no frequency). This sequence change replaces glutamine with arginine at codon 702 of the BICD2 protein (p.Gln702Arg). The glutamine residue is highly conserved and there is a small physicochemical difference between glutamine and arginine.

NM_001003800.2(BICD2):c.2105A>G (p.Gln702Arg)

Gene: BICD2 (BICD cargo adaptor 2; minus strand). Cytogenetic location: 9q22.31.
Variant type: single nucleotide variant.
Coding change: c.2105A>G on transcript NM_001003800.2 (MANE Select); coding-DNA position 2105, A replaced by G.
Protein change: p.Gln702Arg; replaces glutamine 702 with arginine.
Molecular consequence: missense variant.
Genome position (GRCh38, 1-based): chr9:92,718,540, T>C on the plus strand (A>G on the coding strand, the complement: BICD2 is on the minus strand). VCF-style: chr9-92718540-T-C. GRCh37 (hg19) VCF-style: chr9-95480822-T-C.
Other names: c.2105A>G, p.Gln702Arg (NM_015250.4); short protein forms Q702R.
Identifiers: ClinVar variation 648279 (VCV000648279.11), dbSNP rs1587668077, ClinGen allele CA374033553.